The following is an entry in ClinVar:

ClinVar aggregate classification (germline): Uncertain significance (1 of 4 stars; one submission).

Conditions:
Candidiasis, familial, 6 (CANDF6). Also called: Candidiasis, familial, 6, autosomal dominant. Identifiers: Orphanet 1334, MedGen C3151405, MONDO:0013503, OMIM 613956.

Allele frequency attached by ClinVar (database versions not stated): gnomAD 0.00004; gnomAD exomes 0.00004 and 0.00005; ExAC 0.00006; ESP Exome Variant Server 0.00008; TOPMed 0.00008.
gnomAD v4.1: 65 of 1,613,914 alleles (0.004%); highest among the groups gnomAD compares: South Asian, 0.027%; no homozygotes.

Submission:

Labcorp Genetics (formerly Invitae), Labcorp
Classification: Uncertain significance for Candidiasis, familial, 6. Last evaluated: 2024-09-10. Review status: criteria provided, single submitter. Criteria: Invitae Variant Classification Sherloc (09022015). Collection method: clinical testing. Allele origin: germline.
Comment: This sequence change replaces arginine, which is basic and polar, with histidine, which is basic and polar, at codon 77 of the IL17F protein (p.Arg77His). The frequency data for this variant in the population databases is considered unreliable, as metrics indicate poor data quality at this position in the gnomAD database. This variant has not been reported in the literature in individuals affected with IL17F-related conditions. ClinVar contains an entry for this variant (Variation ID: 1409494). An algorithm developed to predict the effect of missense changes on protein structure and function (PolyPhen-2) suggests that this variant is likely to be disruptive. In summary, the available evidence is currently insufficient to determine the role of this variant in disease. Therefore, it has been classified as a Variant of Uncertain Significance.

NM_052872.4(IL17F):c.230G>A (p.Arg77His)

Gene: IL17F (interleukin 17F; minus strand). Cytogenetic location: 6p12.2.
Variant type: single nucleotide variant.
Coding change: c.230G>A on transcript NM_052872.4 (MANE Select); coding-DNA position 230, G replaced by A.
Protein change: p.Arg77His; replaces arginine 77 with histidine.
Molecular consequence: missense variant.
Genome position (GRCh38, 1-based): chr6:52,238,754, C>T on the plus strand (G>A on the coding strand, the complement: IL17F is on the minus strand). VCF-style: chr6-52238754-C-T. GRCh37 (hg19) VCF-style: chr6-52103552-C-T.
Other names: short protein forms R77H.
Identifiers: ClinVar variation 1409494 (VCV001409494.8), dbSNP rs371280410, ClinGen allele CA3854416.